The following is an entry in ClinVar:

ClinVar aggregate classification (germline): Uncertain significance (1 of 4 stars; one submission).

Conditions:
PKD1-related disorder. Also called: PKD1-related condition.

Allele frequency attached by ClinVar (database versions not stated): ExAC 0.00001.
gnomAD v4.1: 5 of 1,611,456 alleles (0.00031%); highest among the groups gnomAD compares: South Asian, 0.0011%; no homozygotes.

Submission:

PreventionGenetics, part of Exact Sciences
Classification: Uncertain significance for PKD1-related condition. Last evaluated: 2023-08-21. Review status: criteria provided, single submitter. Criteria: ACMG Guidelines, 2015. Collection method: clinical testing. Allele origin: germline.
Comment: The PKD1 c.12230C>T variant is predicted to result in the amino acid substitution p.Ala4077Val. To our knowledge, this variant has not been reported in the literature. This variant is reported in 0.00093% of alleles in individuals of European (Non-Finnish) descent in gnomAD. At this time, the clinical significance of this variant is uncertain due to the absence of conclusive functional and genetic evidence.

NM_001009944.3(PKD1):c.12230C>T (p.Ala4077Val)

Gene: PKD1 (polycystin 1, transient receptor potential channel interacting; minus strand). Cytogenetic location: 16p13.3.
Variant type: single nucleotide variant.
Coding change: c.12230C>T on transcript NM_001009944.3 (MANE Select); coding-DNA position 12230, C replaced by T.
Protein change: p.Ala4077Val; replaces alanine 4077 with valine.
Molecular consequence: missense variant.
Genome position (GRCh38, 1-based): chr16:2,090,499, G>A on the plus strand (C>T on the coding strand, the complement: PKD1 is on the minus strand). VCF-style: chr16-2090499-G-A. GRCh37 (hg19) VCF-style: chr16-2140500-G-A.
Other names: c.12227C>T, p.Ala4076Val (NM_000296.4); short protein forms A4076V, A4077V.
Identifiers: ClinVar variation 2630673 (VCV002630673.1), dbSNP rs779478596, ClinGen allele CA7828714.